The following is an entry in ClinVar:

NM_025099.6(CTC1):c.3196A>T (p.Thr1066Ser)

Gene: CTC1 (CST telomere replication complex component 1; minus strand). Cytogenetic location: 17p13.1.
Variant type: single nucleotide variant.
Coding change: c.3196A>T on transcript NM_025099.6 (MANE Select); coding-DNA position 3196, A replaced by T.
Protein change: p.Thr1066Ser; replaces threonine 1066 with serine.
Molecular consequence: missense variant.
Genome position (GRCh38, 1-based): chr17:8,229,167, T>A on the plus strand (A>T on the coding strand, the complement: CTC1 is on the minus strand). VCF-style: chr17-8229167-T-A. GRCh37 (hg19) VCF-style: chr17-8132485-T-A.
Other names: short protein forms T1066S.
Identifiers: ClinVar variation 843237 (VCV000843237.9), dbSNP rs373875495, ClinGen allele CA8371849.

ClinVar aggregate classification (germline): Uncertain significance. Review status: criteria provided, multiple submitters, no conflicts (2 of 4 stars). 3 submissions from 3 submitters: Uncertain significance (3). Last evaluated 2022-10-08.

Conditions:
Dyskeratosis congenita. Identifiers: Orphanet 1775, MedGen C0265965, MONDO:0015780.
Cerebroretinal microangiopathy with calcifications and cysts 1 (CRMCC1). Identifiers: Orphanet 313838, MedGen C4552029, MONDO:0024564, OMIM 612199.

Allele frequency attached by ClinVar (database versions not stated): ExAC 0.00002; gnomAD 0.00002; gnomAD exomes 0.00002; TOPMed 0.00002; ESP Exome Variant Server 0.00008.
gnomAD v4.1: 10 of 1,613,990 alleles (0.00062%); highest among the groups gnomAD compares: Non-Finnish European, 0.00085%; no homozygotes.

Submissions (3):

Labcorp Genetics (formerly Invitae), Labcorp
Classification: Uncertain significance for Dyskeratosis congenita. Last evaluated: 2022-10-08. Review status: criteria provided, single submitter. Criteria: Invitae Variant Classification Sherloc (09022015). Collection method: clinical testing. Allele origin: germline.
Comment: This sequence change replaces threonine, which is neutral and polar, with serine, which is neutral and polar, at codon 1066 of the CTC1 protein (p.Thr1066Ser). This variant is present in population databases (rs373875495, gnomAD 0.004%). This variant has not been reported in the literature in individuals affected with CTC1-related conditions. ClinVar contains an entry for this variant (Variation ID: 843237). Advanced modeling of protein sequence and biophysical properties (such as structural, functional, and spatial information, amino acid conservation, physicochemical variation, residue mobility, and thermodynamic stability) performed at Invitae indicates that this missense variant is not expected to disrupt CTC1 protein function. In summary, the available evidence is currently insufficient to determine the role of this variant in disease. Therefore, it has been classified as a Variant of Uncertain Significance.

Genome-Nilou Lab
Classification: Uncertain significance for Cerebroretinal microangiopathy with calcifications and cysts 1. Last evaluated: 2021-07-15. Review status: criteria provided, single submitter. Criteria: ACMG Guidelines, 2015. Collection method: clinical testing. Allele origin: germline. Affected: no.

Illumina Laboratory Services, Illumina
Classification: Uncertain significance for Dyskeratosis congenita. Last evaluated: 2018-01-12. Review status: criteria provided, single submitter. Criteria: ICSL Variant Classification Criteria 13 December 2019. Collection method: clinical testing. Allele origin: germline.